The following is an entry in ClinVar:

ClinVar aggregate classification (germline): Likely benign. Review status: criteria provided, multiple submitters, no conflicts (2 of 4 stars). 2 submissions from 2 submitters: Likely benign (2). Last evaluated 2026-01-01.

Submissions (2):

CeGaT Center for Human Genetics Tuebingen
Classification: Likely benign. Last evaluated: 2026-01-01. Review status: criteria provided, single submitter. Criteria: CeGaT Center For Human Genetics Tuebingen Variant Classification Criteria Version 2. Collection method: clinical testing. Allele origin: germline. Affected: yes. Observed: 1 variant allele.
Comment: TRAPPC10: PM2:Supporting, BP4, BP7

Blueprint Genetics
Classification: Likely benign. Last evaluated: 2024-08-12. Review status: criteria provided, single submitter. Criteria: ACMG Guidelines, 2015. Collection method: clinical testing. Allele origin: germline.

NM_003274.5(TRAPPC10):c.3390C>T (p.Cys1130=)

Gene: TRAPPC10 (trafficking protein particle complex subunit 10; plus strand). Cytogenetic location: 21q22.3.
Variant type: single nucleotide variant.
Coding change: c.3390C>T on transcript NM_003274.5 (MANE Select); coding-DNA position 3390, C replaced by T.
Protein change: p.Cys1130=; no amino-acid change (cysteine 1130 retained).
Molecular consequence: synonymous variant.
Genome position (GRCh38, 1-based): chr21:44,102,821, C>T. VCF-style: chr21-44102821-C-T. GRCh37 (hg19) VCF-style: chr21-45522702-C-T.
Other names: c.1989C>T, p.Cys663= (NM_001351709.1).
Identifiers: ClinVar variation 4821547 (VCV004821547.5).
Genomic context (GRCh38, chr21:44,102,821, plus strand): 5'-GCTTCCTCTCGTTTCAGTTGTCGACAACAGTAGCAACTGGGCAGTGTGTGGGAAAAGCTG[C>T]GGTGTCATCTCCATGCCAGTGGCTGCTCGGGCCACTCACAGGGTCCACATGGAAGTGATG-3'
Protein context (NP_003265.3, residues 1120-1140): SSNWAVCGKS[Cys1130=]GVISMPVAAR